The following is an entry in ClinVar:

ClinVar aggregate classification (germline): Uncertain significance (1 of 4 stars; one submission).

gnomAD v4.1: 1 of 1,614,000 alleles (0.000062%); highest among the groups gnomAD compares: Non-Finnish European, 0.000085%; no homozygotes.

Submission:

Labcorp Genetics (formerly Invitae), Labcorp
Classification: Uncertain significance. Last evaluated: 2024-05-18. Review status: criteria provided, single submitter. Criteria: Invitae Variant Classification Sherloc (09022015). Collection method: clinical testing. Allele origin: germline.
Comment: This sequence change replaces glutamic acid, which is acidic and polar, with aspartic acid, which is acidic and polar, at codon 313 of the LYN protein (p.Glu313Asp). This variant is not present in population databases (gnomAD no frequency). This variant has not been reported in the literature in individuals affected with LYN-related conditions. An algorithm developed to predict the effect of missense changes on protein structure and function (PolyPhen-2) suggests that this variant is likely to be tolerated. In summary, the available evidence is currently insufficient to determine the role of this variant in disease. Therefore, it has been classified as a Variant of Uncertain Significance.

NM_002350.4(LYN):c.939G>C (p.Glu313Asp)

Gene: LYN (LYN proto-oncogene, Src family tyrosine kinase; plus strand). Cytogenetic location: 8q12.1.
Variant type: single nucleotide variant.
Coding change: c.939G>C on transcript NM_002350.4 (MANE Select); coding-DNA position 939, G replaced by C.
Protein change: p.Glu313Asp; replaces glutamic acid 313 with aspartic acid.
Molecular consequence: missense variant.
Genome position (GRCh38, 1-based): chr8:55,966,863, G>C. VCF-style: chr8-55966863-G-C. GRCh37 (hg19) VCF-style: chr8-56879422-G-C.
Other names: c.876G>C, p.Glu292Asp (NM_001111097.3); short protein forms E292D, E313D.
Identifiers: ClinVar variation 3672693 (VCV003672693.2).